The following is an entry in ClinVar:

ClinVar aggregate classification (germline): Uncertain significance (1 of 4 stars; one submission).

Allele frequency attached by ClinVar (database versions not stated): gnomAD exomes 0.00001 and 0.00004; gnomAD 0.00002 and 0.00003; ExAC 0.00003; TOPMed 0.00003.
gnomAD v4.1: 27 of 1,612,798 alleles (0.0017%); highest among the groups gnomAD compares: Admixed American, 0.017%; no homozygotes.

Submission:

Labcorp Genetics (formerly Invitae), Labcorp
Classification: Uncertain significance. Last evaluated: 2025-06-23. Review status: criteria provided, single submitter. Criteria: Invitae Variant Classification Sherloc (09022015). Collection method: clinical testing. Allele origin: germline.
Comment: This sequence change replaces valine, which is neutral and non-polar, with isoleucine, which is neutral and non-polar, at codon 420 of the DCHS1 protein (p.Val420Ile). This variant is present in population databases (rs761187405, gnomAD 0.02%). This missense change has been observed in individual(s) with Marfan syndrome (PMID: 31279624). ClinVar contains an entry for this variant (Variation ID: 1393047). Invitae Evidence Modeling of protein sequence and biophysical properties (such as structural, functional, and spatial information, amino acid conservation, physicochemical variation, residue mobility, and thermodynamic stability) indicates that this missense variant is not expected to disrupt DCHS1 protein function with a negative predictive value of 95%. In summary, the available evidence is currently insufficient to determine the role of this variant in disease. Therefore, it has been classified as a Variant of Uncertain Significance.

Literature cited by the submitters: PubMed 31279624.

NM_003737.4(DCHS1):c.1258G>A (p.Val420Ile)

Gene: DCHS1 (dachsous cadherin-related 1; minus strand). Cytogenetic location: 11p15.4.
Variant type: single nucleotide variant.
Coding change: c.1258G>A on transcript NM_003737.4 (MANE Select); coding-DNA position 1258, G replaced by A.
Protein change: p.Val420Ile; replaces valine 420 with isoleucine.
Molecular consequence: missense variant.
Genome position (GRCh38, 1-based): chr11:6,640,356, C>T on the plus strand (G>A on the coding strand, the complement: DCHS1 is on the minus strand). VCF-style: chr11-6640356-C-T. GRCh37 (hg19) VCF-style: chr11-6661587-C-T.
Other names: short protein forms V420I.
Identifiers: ClinVar variation 1393047 (VCV001393047.9), dbSNP rs761187405, ClinGen allele CA5861001.